The following is an entry in ClinVar:

ClinVar aggregate classification (germline): Conflicting classifications of pathogenicity. Review status: criteria provided, conflicting classifications (1 of 4 stars). 6 submissions from 6 submitters: Uncertain significance (5); Likely benign (1). Last evaluated 2025-12-15.

Conditions:
Hereditary cancer-predisposing syndrome. Also called: Neoplastic Syndromes, Hereditary; Hereditary neoplastic syndrome; Tumor predisposition; Hereditary Cancer Syndrome. Identifiers: Orphanet 140162, MedGen C0027672, MeSH D009386, MONDO:0015356.
Papillary renal cell carcinoma type 1 (RCCP1). Also called: RENAL CELL CARCINOMA, PAPILLARY, 1, SOMATIC; Renal adenocarcinoma; Renal cell carcinoma 1; Renal cell carcinoma, somatic. Identifiers: Orphanet 47044, MedGen C1336839, OMIM 605074, HP:0011797.
Autosomal recessive nonsyndromic hearing loss 97. Also called: Deafness, autosomal recessive 97. Identifiers: Orphanet 90636, MedGen C4084709, MONDO:0014739, OMIM 616705.
Renal cell carcinoma. Identifiers: Orphanet 217071, MedGen C0007134, MeSH D002292, MONDO:0005086, HP:0005584.

Allele frequency attached by ClinVar (database versions not stated): gnomAD exomes 0.00001 and 0.00005; TOPMed 0.00001; gnomAD 0.00003 and 0.00004.
gnomAD v4.1: 76 of 1,614,010 alleles (0.0047%); highest among the groups gnomAD compares: Middle Eastern, 0.016%; no homozygotes.

Submissions (6):

Labcorp Genetics (formerly Invitae), Labcorp
Classification: Uncertain significance for Renal cell carcinoma. Last evaluated: 2025-12-15. Review status: criteria provided, single submitter. Criteria: Invitae Variant Classification Sherloc (09022015). Collection method: clinical testing. Allele origin: germline.
Comment: This sequence change replaces alanine, which is neutral and non-polar, with valine, which is neutral and non-polar, at codon 1357 of the MET protein (p.Ala1357Val). This variant is present in population databases (no rsID available, gnomAD 0.004%). This variant has not been reported in the literature in individuals affected with MET-related conditions. ClinVar contains an entry for this variant (Variation ID: 524883). Invitae Evidence Modeling of protein sequence and biophysical properties (such as structural, functional, and spatial information, amino acid conservation, physicochemical variation, residue mobility, and thermodynamic stability) indicates that this missense variant is not expected to disrupt MET protein function with a negative predictive value of 80%. In summary, the available evidence is currently insufficient to determine the role of this variant in disease. Therefore, it has been classified as a Variant of Uncertain Significance.

Baylor Genetics
Classification: Uncertain significance for Autosomal recessive nonsyndromic hearing loss 97. Last evaluated: 2024-01-25. Review status: criteria provided, single submitter. Criteria: ACMG Guidelines, 2015. Collection method: clinical testing. Allele origin: unknown.

ARUP Laboratories, Molecular Genetics and Genomics, ARUP Laboratories
Classification: Uncertain significance. Last evaluated: 2023-09-11. Review status: criteria provided, single submitter. Criteria: ARUP Molecular Germline Variant Investigation Process 2024. Collection method: clinical testing. Allele origin: germline.
Comment: The MET c.4070C>T; p.Ala1357Val variant (rs1453842331), to our knowledge, is not reported in the medical literature but is reported in ClinVar (Variation ID: 524883). This variant is found in the general population with an overall allele frequency of 0.0014% (4/280722 alleles) in the Genome Aggregation Database. Computational analyses predict that this variant is neutral (REVEL: 0.062). Due to limited information, the clinical significance of this variant is uncertain at this time.

GeneDx
Classification: Uncertain significance. Last evaluated: 2023-08-08. Review status: criteria provided, single submitter. Criteria: GeneDx Variant Classification Process June 2021. Collection method: clinical testing. Allele origin: germline. Affected: yes.
Comment: Not observed at significant frequency in large population cohorts (gnomAD); In silico analysis supports that this missense variant does not alter protein structure/function; Has not been previously published as pathogenic or benign to our knowledge

Ambry Genetics
Classification: Likely benign for Hereditary cancer-predisposing syndrome. Last evaluated: 2023-06-04. Review status: criteria provided, single submitter. Criteria: Ambry Variant Classification Scheme 2023. Collection method: clinical testing. Allele origin: germline.

St. Jude Molecular Pathology, St. Jude Children's Research Hospital
Classification: Uncertain significance for Papillary renal cell carcinoma type 1. Last evaluated: 2022-10-26. Review status: criteria provided, single submitter. Criteria: St. Jude Assertion Criteria 2020. Collection method: clinical testing. Allele origin: germline.
Comment: The MET c.4070C>T (p.Ala1357Val) missense change has a maximum subpopulation frequency of 0.0041% in gnomAD v2.1.1. The in silico tool REVEL predicts a benign effect on protein function, but to our knowledge this prediction has not been confirmed by functional studies. To our knowledge, this variant has not been reported in individuals with hereditary papillary renal cell carcinoma. In summary, the evidence currently available is insufficient to determine the clinical significance of this variant. It has therefore been classified as of uncertain significance.

NM_000245.4(MET):c.4016C>T (p.Ala1339Val)

Gene: MET (MET proto-oncogene, receptor tyrosine kinase; plus strand). Cytogenetic location: 7q31.2.
Variant type: single nucleotide variant.
Coding change: c.4016C>T on transcript NM_000245.4 (MANE Select); coding-DNA position 4016, C replaced by T.
Protein change: p.Ala1339Val; replaces alanine 1339 with valine.
Molecular consequence: missense variant.
Genome position (GRCh38, 1-based): chr7:116,795,967, C>T. VCF-style: chr7-116795967-C-T. GRCh37 (hg19) VCF-style: chr7-116436021-C-T.
Other names: c.4070C>T (LRG_662t1, NM_001127500.2); c.4070C>T, p.Ala1357Val (NM_001127500.3); c.2726C>T, p.Ala909Val (NM_001324402.2); short protein forms A1357V, A1339V, A909V.
Identifiers: ClinVar variation 524883 (VCV000524883.20), dbSNP rs1453842331, ClinGen allele CA369118216.